The following is an entry in ClinVar:

ClinVar aggregate classification (germline): Likely benign (1 of 4 stars; one submission).

gnomAD v4.1: 2 of 1,211,783 alleles (0.00017%); highest among the groups gnomAD compares: Admixed American, 0.0022%; no homozygotes.

Submission:

CeGaT Center for Human Genetics Tuebingen
Classification: Likely benign. Last evaluated: 2026-07-01. Review status: criteria provided, single submitter. Criteria: CeGaT Center For Human Genetics Tuebingen Variant Classification Criteria Version 2. Collection method: clinical testing. Allele origin: germline. Affected: yes. Observed: 1 variant allele.
Comment: CCDC22: BP4

NM_014008.5(CCDC22):c.493C>T (p.His165Tyr)

Gene: CCDC22 (CCC complex scaffolding subunit CCDC22; plus strand). Cytogenetic location: Xp11.23.
Variant type: single nucleotide variant.
Coding change: c.493C>T on transcript NM_014008.5 (MANE Select); coding-DNA position 493, C replaced by T.
Protein change: p.His165Tyr; replaces histidine 165 with tyrosine.
Molecular consequence: missense variant.
Genome position (GRCh38, 1-based): chrX:49,243,142, C>T. VCF-style: chrX-49243142-C-T. GRCh37 (hg19) VCF-style: chrX-49099608-C-T.
Other names: short protein forms H165Y.
Identifiers: ClinVar variation 5040230 (VCV005040230.1).